The following is an entry in ClinVar:

ClinVar aggregate classification (germline): Uncertain significance (1 of 4 stars; one submission).

Allele frequency attached by ClinVar (database versions not stated): gnomAD exomes below 0.00001; ExAC 0.00001.
gnomAD v4.1: 1 of 1,614,052 alleles (0.000062%); highest among the groups gnomAD compares: Non-Finnish European, 0.000085%; no homozygotes.

Submission:

GeneDx
Classification: Uncertain significance. Last evaluated: 2022-06-19. Review status: criteria provided, single submitter. Criteria: GeneDx Variant Classification Process June 2021. Collection method: clinical testing. Allele origin: germline. Affected: yes.
Comment: Not observed at significant frequency in large population cohorts (gnomAD); In silico analysis supports that this missense variant does not alter protein structure/function; Has not been previously published as pathogenic or benign to our knowledge

NM_020338.4(ZMIZ1):c.137A>G (p.Gln46Arg)

Gene: ZMIZ1 (zinc finger MIZ-type containing 1; plus strand). Cytogenetic location: 10q22.3.
Variant type: single nucleotide variant.
Coding change: c.137A>G on transcript NM_020338.4 (MANE Select); coding-DNA position 137, A replaced by G.
Protein change: p.Gln46Arg; replaces glutamine 46 with arginine.
Molecular consequence: missense variant.
Genome position (GRCh38, 1-based): chr10:79,208,412, A>G. VCF-style: chr10-79208412-A-G. GRCh37 (hg19) VCF-style: chr10-80968169-A-G.
Other names: short protein forms Q46R.
Identifiers: ClinVar variation 1806534 (VCV001806534.1), dbSNP rs757649296, ClinGen allele CA5572199.
Genomic context (GRCh38, chr10:79,208,412, plus strand): 5'-CCAACTTCCACAATGCCGCCACGGAGCTGCTGGACTGGTGCGGAGACCCACGGGCCTTCC[A>G]GCGGCCCTTCGAGCAGAGCCTGATGGGCTGTTTGACGGTGAGTCTGCACCCTGTCCGCCT-3'
Protein context (NP_065071.1, residues 36-56): LDWCGDPRAF[Gln46Arg]RPFEQSLMGC